The following is an entry in ClinVar:

ClinVar aggregate classification (germline): Pathogenic (1 of 4 stars; one submission).

Conditions:
Hematuria. Identifiers: MedGen C0018965, HP:0000790.

gnomAD v4.1: 1 of 1,211,421 alleles (0.000083%); highest among the groups gnomAD compares: Non-Finnish European, 0.00011%; no homozygotes.

Submission:

Genetics Laboratory, Great Ormond Street Hospital NHS Foundation Trust, North Thames Genomic Laboratory Hub
Classification: Pathogenic for Haematuria. Last evaluated: 2026-02-06. Review status: criteria provided, single submitter. Criteria: ACGS Best Practice Guidelines for Variant Classification in Rare Disease 2024 v1.2. Collection method: clinical testing. Allele origin: germline. Affected: yes.
Comment: PS4_moderate, PM2_moderate, PP3_supporting, PM5_moderate, PM1_strong, PP4_supporting

NM_033380.3(COL4A5):c.4370G>A (p.Gly1457Asp)

Gene: COL4A5 (collagen type IV alpha 5 chain; plus strand). Cytogenetic location: Xq22.3.
Variant type: single nucleotide variant.
Coding change: c.4370G>A on transcript NM_033380.3 (MANE Select); coding-DNA position 4370, G replaced by A.
Protein change: p.Gly1457Asp; replaces glycine 1457 with aspartic acid.
Molecular consequence: missense variant.
Genome position (GRCh38, 1-based): chrX:108,687,536, G>A. VCF-style: chrX-108687536-G-A. GRCh37 (hg19) VCF-style: chrX-107930766-G-A.
Other names: c.4352G>A, p.Gly1451Asp (NM_000495.5); short protein forms G1451D, G1457D.
Identifiers: ClinVar variation 4819435 (VCV004819435.1), dbSNP rs1569508352.